The following is an entry in ClinVar:

NC_000020.10:g.(?_62290756)_(62328484_?)dup

Genes: RTEL1 (regulator of telomere elongation helicase 1; plus strand), TNFRSF6B (TNF receptor superfamily member 6b; plus strand). Cytogenetic location: 20q13.33.
Variant type: Duplication.
Identifiers: ClinVar variation 1487340 (VCV001487340.1).

ClinVar aggregate classification (germline): Uncertain significance (1 of 4 stars; one submission).

Conditions:
Pulmonary fibrosis and/or bone marrow failure, Telomere-related, 3. Also called: PULMONARY FIBROSIS AND/OR BONE MARROW FAILURE SYNDROME, TELOMERE-RELATED, 3. Identifiers: Orphanet 2032, MedGen C4225346, MONDO:0014613, OMIM 616373.
Dyskeratosis congenita, autosomal recessive 5 (DKCB5). Identifiers: MedGen C3554656, MONDO:0014076, OMIM 615190.

Submission:

Labcorp Genetics (formerly Invitae), Labcorp
Classification: Uncertain significance for Dyskeratosis congenita, autosomal recessive 5; Pulmonary fibrosis and/or bone marrow failure, Telomere-related, 3. Last evaluated: 2021-03-29. Review status: criteria provided, single submitter. Criteria: Invitae Variant Classification Sherloc (09022015). Collection method: clinical testing. Allele origin: germline.
Comment: A copy number gain of the genomic region encompassing the full coding sequence of the RTEL1 gene has been identified. The boundaries of this event are unknown as they extend beyond the assayed region for this gene and therefore may encompass additional genes. As the precise location of this event is unknown, it may be in tandem or it may be located elsewhere in the genome. This variant has not been reported in the literature in individuals with RTEL1-related conditions. In summary, the available evidence is currently insufficient to determine the role of this variant in disease. Therefore, it has been classified as a Variant of Uncertain Significance.